The following is an entry in ClinVar:

NM_000094.4(COL7A1):c.7615-2A>T

Gene: COL7A1 (collagen type VII alpha 1 chain; minus strand). Cytogenetic location: 3p21.31.
Variant type: single nucleotide variant.
Coding change: c.7615-2A>T on transcript NM_000094.4 (MANE Select); the canonical splice acceptor site of the intron before coding-DNA position 7615, A replaced by T.
Molecular consequence: splice acceptor variant.
Genome position (GRCh38, 1-based): chr3:48,569,448, T>A on the plus strand (A>T on the coding strand, the complement: COL7A1 is on the minus strand). VCF-style: chr3-48569448-T-A. GRCh37 (hg19) VCF-style: chr3-48606881-T-A.
Identifiers: ClinVar variation 1066842 (VCV001066842.6), dbSNP rs986004460, ClinGen allele CA73973656.

ClinVar aggregate classification (germline): Likely pathogenic. Review status: criteria provided, multiple submitters, no conflicts (2 of 4 stars). 2 submissions from 2 submitters: Likely pathogenic (2). Last evaluated 2024-03-07.

Conditions:
Transient bullous dermolysis of the newborn (TBDN). Also called: EPIDERMOLYSIS BULLOSA DYSTROPHICA, NEONATAL FORM; DYSTROPHIC EPIDERMOLYSIS BULLOSA, NEONATAL. Identifiers: Orphanet 79411, MedGen C1851573, MONDO:0007548, OMIM 131705.
Recessive dystrophic epidermolysis bullosa (RDEB). Also called: Recessive DEB (RDEB); DYSTROPHIC EPIDERMOLYSIS BULLOSA, AUTOSOMAL RECESSIVE; EPIDERMOLYSIS BULLOSA DYSTROPHICA, HALLOPEAU-SIEMENS TYPE; Epidermolysis Bullosa Distrophica Autosomal Recessive (RDEB); Hallopeau-Siemens Disease; severe generalized recessive dystrophic epidermolysis bullosa. Identifiers: Orphanet 79408, Orphanet 79409, MedGen C0079474, MONDO:0009179, OMIM 226600.
Nonsyndromic congenital nail disorder 8. Also called: TOENAIL DYSTROPHY, ISOLATED. Identifiers: MedGen C1843761, MONDO:0011852, OMIM 607523.
Epidermolysis bullosa pruriginosa. Also called: DEB, PRURIGINOSA; DYSTROPHIC EPIDERMOLYSIS BULLOSA PRURIGINOSA. Identifiers: Orphanet 89843, MedGen C1275114, MONDO:0011398, OMIM 604129.
Pretibial dystrophic epidermolysis bullosa. Also called: EPIDERMOLYSIS BULLOSA DYSTROPHICA, PRETIBIAL; Pretibial epidermolysis bullosa; Pretibial blistering. Identifiers: Orphanet 79410, MedGen C0432321, MONDO:0007552, OMIM 131850, HP:0012221.
Dominant dystrophic epidermolysis bullosa with absence of skin. Also called: EPIDERMOLYSIS BULLOSA DYSTROPHICA, BART TYPE; EPIDERMOLYSIS BULLOSA WITH CONGENITAL LOCALIZED ABSENCE OF SKIN AND DEFORMITY OF NAILS. Identifiers: MedGen C0268371, MONDO:0007557, OMIM 132000.
Generalized dominant dystrophic epidermolysis bullosa (DDEB). Also called: Dominant DEB (DDEB); DDEB, generalized; DDEB-gen; DYSTROPHIC EPIDERMOLYSIS BULLOSA, AUTOSOMAL DOMINANT; Epidermolysis bullosa dystrophica, autosomal dominant. Identifiers: Orphanet 231568, MedGen C0432322, MONDO:0007549, OMIM 131750.

Allele frequency attached by ClinVar (database versions not stated): gnomAD 0.00001; TOPMed 0.00002; gnomAD exomes below 0.00001.
gnomAD v4.1: 4 of 1,614,034 alleles (0.00025%); highest among the groups gnomAD compares: Admixed American, 0.0033%; no homozygotes.

Submissions (2):

Fulgent Genetics
Classification: Likely pathogenic for Transient bullous dermolysis of the newborn; Generalized dominant dystrophic epidermolysis bullosa; Pretibial dystrophic epidermolysis bullosa; Dominant dystrophic epidermolysis bullosa with absence of skin; Recessive dystrophic epidermolysis bullosa; Epidermolysis bullosa pruriginosa; Nonsyndromic congenital nail disorder 8. Last evaluated: 2024-03-07. Review status: criteria provided, single submitter. Criteria: ACMG Guidelines, 2015. Collection method: clinical testing. Allele origin: germline.

Labcorp Genetics (formerly Invitae), Labcorp
Classification: Likely pathogenic. Last evaluated: 2024-02-04. Review status: criteria provided, single submitter. Criteria: Invitae Variant Classification Sherloc (09022015). Collection method: clinical testing. Allele origin: germline.
Comment: This sequence change affects an acceptor splice site in intron 101 of the COL7A1 gene. It is expected to disrupt RNA splicing. Variants that disrupt the donor or acceptor splice site typically lead to a loss of protein function (PMID: 16199547), and loss-of-function variants in COL7A1 are known to be pathogenic (PMID: 16971478). This variant is not present in population databases (gnomAD no frequency). This variant has not been reported in the literature in individuals affected with COL7A1-related conditions. ClinVar contains an entry for this variant (Variation ID: 1066842). Algorithms developed to predict the effect of sequence changes on RNA splicing suggest that this variant may disrupt the consensus splice site. In summary, the currently available evidence indicates that the variant is pathogenic, but additional data are needed to prove that conclusively. Therefore, this variant has been classified as Likely Pathogenic.

Literature cited by the submitters: PubMed 16199547 (cited by Labcorp Genetics (formerly Invitae), Labcorp); PubMed 16971478 (cited by Labcorp Genetics (formerly Invitae), Labcorp).